The following is an entry in ClinVar:

ClinVar aggregate classification (germline): Pathogenic (1 of 4 stars; one submission).

Conditions:
Early-infantile DEE. Also called: Early infantile epileptic encephalopathy with suppression bursts; Early infantile epileptic encephalopathy; Ohtahara syndrome. Identifiers: Orphanet 1934, MedGen C0393706, MONDO:0800491.

Submission:

Labcorp Genetics (formerly Invitae), Labcorp
Classification: Pathogenic for Early-infantile DEE. Last evaluated: 2025-08-24. Review status: criteria provided, single submitter. Criteria: Invitae Variant Classification Sherloc (09022015). Collection method: clinical testing. Allele origin: germline.
Comment: This sequence change replaces glycine, which is neutral and non-polar, with aspartic acid, which is acidic and polar, at codon 271 of the SCN1A protein (p.Gly271Asp). This variant is not present in population databases (gnomAD no frequency). This missense change has been observed in individual(s) with Dravet syndrome (PMID: 35074891). Invitae Evidence Modeling of protein sequence and biophysical properties (such as structural, functional, and spatial information, amino acid conservation, physicochemical variation, residue mobility, and thermodynamic stability) indicates that this missense variant is expected to disrupt SCN1A protein function with a positive predictive value of 95%. This variant disrupts the p.Gly271 amino acid residue in SCN1A. Other variant(s) that disrupt this residue have been determined to be pathogenic (PMID: 29745119). This suggests that this residue is clinically significant, and that variants that disrupt this residue are likely to be disease-causing. For these reasons, this variant has been classified as Pathogenic.

Literature cited by the submitters: PubMed 35074891; PubMed 29745119.

NM_001165963.4(SCN1A):c.812G>A (p.Gly271Asp)

Gene: SCN1A (sodium voltage-gated channel alpha subunit 1; minus strand). Cytogenetic location: 2q24.3.
Variant type: single nucleotide variant.
Coding change: c.812G>A on transcript NM_001165963.4 (MANE Select); coding-DNA position 812, G replaced by A.
Protein change: p.Gly271Asp; replaces glycine 271 with aspartic acid.
Molecular consequence: missense variant. On other transcripts: 5 prime UTR variant (1), non-coding transcript variant (1).
Genome position (GRCh38, 1-based): chr2:166,051,871, C>T on the plus strand (G>A on the coding strand, the complement: SCN1A is on the minus strand). VCF-style: chr2-166051871-C-T. GRCh37 (hg19) VCF-style: chr2-166908381-C-T.
Other names: c.812G>A, p.Gly271Asp (NM_001353960.2, NM_006920.6, NM_001165964.3 and 10 more transcripts); c.-1614G>A (NM_001353961.2); short protein forms G271D.
Identifiers: ClinVar variation 4800295 (VCV004800295.1).